The following is an entry in ClinVar:

NM_001367624.2(ZNF469):c.3465dup (p.Glu1156fs)

Gene: ZNF469 (zinc finger protein 469; plus strand). Cytogenetic location: 16q24.2.
Variant type: Duplication.
Coding change: c.3465dup on transcript NM_001367624.2 (MANE Select); coding-DNA position 3465, one base duplicated (C; older notation c.3465dupC).
Protein change: p.Glu1156fs; shifts the reading frame from glutamic acid 1156.
Molecular consequence: frameshift variant.
Genome position (GRCh38, 1-based): chr16:88,430,935, C duplicated; the last of 4 consecutive C bases (chr16:88,430,932-88,430,935); duplicating any one gives the same sequence. VCF-style (leftmost placement, unchanged base first): chr16-88430931-A-AC. GRCh37 (hg19) VCF-style: chr16-88497339-A-AC.
Other names: short protein forms E1156fs.
Identifiers: ClinVar variation 3643552 (VCV003643552.2).
Genomic context (GRCh38, chr16:88,430,931, plus strand): 5'-AGCCACAGAAACCCCGGAAGGCGGCGAGGCAGGAAGCCGGCGGGGACGGAGCCCCCGCGA[A>AC]CCCCGAGGAGCCGGGCGGGTCTCGCCCGGGCCCCGGCAGGAGCCCTCAGGCCCGTGGCCC-3'

ClinVar aggregate classification (germline): Pathogenic (1 of 4 stars; one submission).

Submission:

Labcorp Genetics (formerly Invitae), Labcorp
Classification: Pathogenic. Last evaluated: 2024-02-27. Review status: criteria provided, single submitter. Criteria: Invitae Variant Classification Sherloc (09022015). Collection method: clinical testing. Allele origin: germline.
Comment: This sequence change creates a premature translational stop signal (p.Glu1128Argfs*38) in the ZNF469 gene. While this is not anticipated to result in nonsense mediated decay, it is expected to disrupt the last 2798 amino acid(s) of the ZNF469 protein. This variant is not present in population databases (gnomAD no frequency). This variant has not been reported in the literature in individuals affected with ZNF469-related conditions. This variant disrupts a region of the ZNF469 protein in which other variant(s) (p.Pro3556Glnfs*136) have been determined to be pathogenic (PMID: 32671420). This suggests that this is a clinically significant region of the protein, and that variants that disrupt it are likely to be disease-causing. For these reasons, this variant has been classified as Pathogenic.

Literature cited by the submitters: PubMed 32671420.